The following is an entry in ClinVar:

NM_133259.4(LRPPRC):c.2737-230C>G

Gene: LRPPRC (leucine rich pentatricopeptide repeat containing; minus strand). Cytogenetic location: 2p21.
Variant type: single nucleotide variant.
Coding change: c.2737-230C>G on transcript NM_133259.4 (MANE Select); 230 bases into the intron before coding-DNA position 2737, C replaced by G.
Molecular consequence: intron variant.
Genome position (GRCh38, 1-based): chr2:43,926,191, G>C on the plus strand (C>G on the coding strand, the complement: LRPPRC is on the minus strand). VCF-style: chr2-43926191-G-C. GRCh37 (hg19) VCF-style: chr2-44153330-G-C.
Identifiers: ClinVar variation 684321 (VCV000684321.1), dbSNP rs62138282, ClinGen allele CA11010315.

ClinVar aggregate classification (germline): Benign (1 of 4 stars; one submission).

Allele frequency attached by ClinVar (database versions not stated): 1000 Genomes Project 30x 0.07370; 1000 Genomes Project 0.07768; TOPMed 0.08852; gnomAD 0.09187 and 0.09225.
gnomAD v4.1: 14,002 of 152,090 alleles (9.2%); highest among the groups gnomAD compares: South Asian, 13%; 738 homozygotes.

Submission:

GeneDx
Classification: Benign. Last evaluated: 2018-06-14. Review status: criteria provided, single submitter. Criteria: GeneDx Variant Classification (06012015). Collection method: clinical testing. Allele origin: germline. Affected: yes.
Comment: This variant is considered likely benign or benign based on one or more of the following criteria: it is a conservative change, it occurs at a poorly conserved position in the protein, it is predicted to be benign by multiple in silico algorithms, and/or has population frequency not consistent with disease.